The following is an entry in ClinVar:

ClinVar aggregate classification (germline): Conflicting classifications of pathogenicity. Review status: criteria provided, conflicting classifications (1 of 4 stars). 2 submissions from 2 submitters: Uncertain significance (1); Likely benign (1). Last evaluated 2026-04-20.

Conditions:
Hereditary cancer-predisposing syndrome. Also called: Hereditary Cancer Syndrome; Neoplastic Syndromes, Hereditary; Tumor predisposition; Hereditary neoplastic syndrome. Identifiers: Orphanet 140162, MedGen C0027672, MeSH D009386, MONDO:0015356.
Gorlin syndrome. Also called: Nevoid Basal Cell Carcinoma Syndrome; Basal cell nevus syndrome. Identifiers: Orphanet 377, MedGen C0004779, MONDO:0007187.

Allele frequency attached by ClinVar (database versions not stated): gnomAD exomes below 0.00001; ExAC 0.00001.
gnomAD v4.1: 1 of 1,614,086 alleles (0.000062%); highest among the groups gnomAD compares: South Asian, 0.0011%; no homozygotes.

Submissions (2):

Ambry Genetics
Classification: Uncertain significance for Hereditary cancer-predisposing syndrome. Last evaluated: 2026-04-20. Review status: criteria provided, single submitter. Criteria: Ambry Variant Classification Scheme 2023. Collection method: clinical testing. Allele origin: germline.
Comment: The p.G344D variant (also known as c.1031G>A), located in coding exon 7 of the PTCH1 gene, results from a G to A substitution at nucleotide position 1031. The glycine at codon 344 is replaced by aspartic acid, an amino acid with similar properties. This amino acid position is conserved. In addition, this alteration is predicted to be deleterious by in silico analysis. Based on the available evidence, the clinical significance of this variant remains unclear.

Labcorp Genetics (formerly Invitae), Labcorp
Classification: Likely benign for Gorlin syndrome. Last evaluated: 2024-01-06. Review status: criteria provided, single submitter. Criteria: Invitae Variant Classification Sherloc (09022015). Collection method: clinical testing. Allele origin: germline.

NM_000264.5(PTCH1):c.1031G>A (p.Gly344Asp)

Gene: PTCH1 (patched 1; minus strand). Cytogenetic location: 9q22.32.
Variant type: single nucleotide variant.
Coding change: c.1031G>A on transcript NM_000264.5 (MANE Select); coding-DNA position 1031, G replaced by A.
Protein change: p.Gly344Asp; replaces glycine 344 with aspartic acid.
Molecular consequence: missense variant. On other transcripts: non-coding transcript variant (1).
Genome position (GRCh38, 1-based): chr9:95,480,005, C>T on the plus strand (G>A on the coding strand, the complement: PTCH1 is on the minus strand). VCF-style: chr9-95480005-C-T. GRCh37 (hg19) VCF-style: chr9-98242287-C-T.
Other names: c.833G>A, p.Gly278Asp (NM_001083602.3); c.1028G>A, p.Gly343Asp (NM_001083603.3); c.578G>A, p.Gly193Asp (NM_001083604.3, NM_001083605.3, NM_001083606.3 and 1 more transcripts); c.1031G>A, p.Gly344Asp (NM_001354918.2); short protein forms G343D, G193D, G278D, G344D.
Identifiers: ClinVar variation 944667 (VCV000944667.11), dbSNP rs758585782, ClinGen allele CA5138785.